The following is an entry in ClinVar:

ClinVar aggregate classification (germline): Pathogenic (1 of 4 stars; one submission).

Conditions:
Congenital disorder of glycosylation, type Iaa. Also called: Congenital disorder of glycosylation, type 1aa. Identifiers: MedGen C4310727, MONDO:0014904, OMIM 617082.

Submission:

Labcorp Genetics (formerly Invitae), Labcorp
Classification: Pathogenic for Congenital disorder of glycosylation, type Iaa. Last evaluated: 2026-02-02. Review status: criteria provided, single submitter. Criteria: Invitae Variant Classification Sherloc (09022015). Collection method: clinical testing. Allele origin: germline.
Comment: This sequence change affects a splice site in intron 4 of the NUS1 gene. While this variant is not anticipated to result in nonsense mediated decay, it likely alters RNA splicing and results in a disrupted protein product. This variant is not present in population databases (gnomAD no frequency). This variant has not been reported in the literature in individuals affected with NUS1-related conditions. Variants that disrupt the consensus splice site are a relatively common cause of aberrant splicing (PMID: 17576681, 9536098). Algorithms developed to predict the effect of sequence changes on RNA splicing suggest that this variant may disrupt the consensus splice site. This variant disrupts a region of the NUS1 protein in which other variant(s) (p.Arg290Cys) have been determined to be pathogenic (PMID: 35949226; internal data). This suggests that this is a clinically significant region of the protein, and that variants that disrupt it are likely to be disease-causing. For these reasons, this variant has been classified as Pathogenic.

Literature cited by the submitters: PubMed 17576681; PubMed 9536098; PubMed 35949226.

NM_138459.5(NUS1):c.791+1del

Gene: NUS1 (NUS1 dehydrodolichyl diphosphate synthase subunit; plus strand). Cytogenetic location: 6q22.1.
Variant type: Deletion.
Coding change: c.791+1del on transcript NM_138459.5 (MANE Select); the canonical splice donor site of the intron after coding-DNA position 791, one base deleted (G; older notation c.791+1delG).
Molecular consequence: splice donor variant.
Genome position (GRCh38, 1-based): chr6:117,703,705, G deleted. VCF-style (leftmost placement, unchanged base first): chr6-117703704-TG-T. GRCh37 (hg19) VCF-style: chr6-118024867-TG-T.
Identifiers: ClinVar variation 4736496 (VCV004736496.1).
Genomic context (GRCh38, chr6:117,703,704, plus strand): 5'-TCGGTCCTGTGGACAGCACATTAGGCTTTCTTCCCTGGCACATCAGATTGACTGAGATTG[TG>T]TAAGTAATTAAAAGCGTACTGACTTTGTTTAGATTCAGCAAGTGTTTCTTGAGTTCAGCA-3'